The following is an entry in ClinVar:

NC_000007.13:g.(?_6042074)_(6042321_?)del

Gene: PMS2 (PMS1 homolog 2, mismatch repair system component; minus strand). Cytogenetic location: 7p22.1.
Variant type: Deletion.
Identifiers: ClinVar variation 2423254 (VCV002423254.3).

ClinVar aggregate classification (germline): Pathogenic (1 of 4 stars; one submission).

Conditions:
Hereditary nonpolyposis colorectal neoplasms. Identifiers: MedGen C0009405, MeSH D003123.

Submission:

Labcorp Genetics (formerly Invitae), Labcorp
Classification: Pathogenic for Hereditary nonpolyposis colorectal neoplasms. Last evaluated: 2022-09-29. Review status: criteria provided, single submitter. Criteria: Invitae Variant Classification Sherloc (09022015). Collection method: clinical testing. Allele origin: germline.
Comment: This variant is a gross deletion of the genomic region encompassing exon(s) 5 of the PMS2 gene. This deletion is out-of-frame, and is expected to create a premature termination codon and result in an absent or disrupted protein product. Loss-of-function variants in PMS2 are known to be pathogenic (PMID: 21376568, 24362816). This variant has not been reported in the literature in individuals affected with PMS2-related conditions. For these reasons, this variant has been classified as Pathogenic.

Literature cited by the submitters: PubMed 21376568; PubMed 24362816.